The following is an entry in ClinVar:

NC_000023.10:g.(?_32662387)_(32663462_?)del

Gene: DMD (dystrophin; minus strand). Cytogenetic location: Xp21.1.
Variant type: Deletion.
Identifiers: ClinVar variation 3243505 (VCV003243505.1).

ClinVar aggregate classification (germline): Likely pathogenic (1 of 4 stars; one submission).

Conditions:
Duchenne muscular dystrophy (DMD). Also called: MUSCULAR DYSTROPHY, PSEUDOHYPERTROPHIC PROGRESSIVE, DUCHENNE TYPE; Duchenne Muscular Dystrophy (DMD). Identifiers: Orphanet 98896, MedGen C0013264, MONDO:0010679, OMIM 310200.

Submission:

Labcorp Genetics (formerly Invitae), Labcorp
Classification: Likely pathogenic for Duchenne muscular dystrophy. Last evaluated: 2022-02-11. Review status: criteria provided, single submitter. Criteria: Invitae Variant Classification Sherloc (09022015). Collection method: clinical testing. Allele origin: unknown.
Comment: This variant results in the deletion of exon 10 and part of exon 11 (c.961-193_1193del) of the DMD gene. It is expected to disrupt RNA splicing. Variants that disrupt the donor or acceptor splice site typically lead to a loss of protein function (PMID: 16199547), and loss-of-function variants in DMD are known to be pathogenic (PMID: 16770791, 25007885). This variant has not been reported in the literature in individuals affected with DMD-related conditions. In summary, the currently available evidence indicates that the variant is pathogenic, but additional data are needed to prove that conclusively. Therefore, this variant has been classified as Likely Pathogenic.

Literature cited by the submitters: PubMed 16199547; PubMed 16770791; PubMed 25007885.